The following is an entry in ClinVar:

NM_005271.5(GLUD1):c.466G>A (p.Val156Met)

Gene: GLUD1 (glutamate dehydrogenase 1; minus strand). Cytogenetic location: 10q23.2.
Variant type: single nucleotide variant.
Coding change: c.466G>A on transcript NM_005271.5 (MANE Select); coding-DNA position 466, G replaced by A.
Protein change: p.Val156Met; replaces valine 156 with methionine.
Molecular consequence: missense variant. On other transcripts: 5 prime UTR variant (5).
Genome position (GRCh38, 1-based): chr10:87,076,636, C>T on the plus strand (G>A on the coding strand, the complement: GLUD1 is on the minus strand). VCF-style: chr10-87076636-C-T. GRCh37 (hg19) VCF-style: chr10-88836393-C-T.
Other names: c.67G>A, p.Val23Met (NM_001318900.1); c.-36G>A (NM_001318901.1, NM_001318902.1, NM_001318904.2 and 2 more transcripts); short protein forms V156M, V23M.
Identifiers: ClinVar variation 4745253 (VCV004745253.1).

ClinVar aggregate classification (germline): Uncertain significance (1 of 4 stars; one submission).

Conditions:
Hyperinsulinism-hyperammonemia syndrome (HHF6). Identifiers: Orphanet 35878, MedGen C1847555, MONDO:0011717, OMIM 606762.

Submission:

Labcorp Genetics (formerly Invitae), Labcorp
Classification: Uncertain significance for Hyperinsulinism-hyperammonemia syndrome. Last evaluated: 2025-07-27. Review status: criteria provided, single submitter. Criteria: Invitae Variant Classification Sherloc (09022015). Collection method: clinical testing. Allele origin: germline.
Comment: This sequence change replaces valine, which is neutral and non-polar, with methionine, which is neutral and non-polar, at codon 156 of the GLUD1 protein (p.Val156Met). This variant is present in population databases (rs748013207, gnomAD 0.007%). This variant has not been reported in the literature in individuals affected with GLUD1-related conditions. Invitae Evidence Modeling of protein sequence and biophysical properties (such as structural, functional, and spatial information, amino acid conservation, physicochemical variation, residue mobility, and thermodynamic stability) indicates that this missense variant is not expected to disrupt GLUD1 protein function with a negative predictive value of 80%. In summary, the available evidence is currently insufficient to determine the role of this variant in disease. Therefore, it has been classified as a Variant of Uncertain Significance.